The following is an entry in ClinVar:

ClinVar aggregate classification (germline): Uncertain significance (1 of 4 stars; one submission).

Submission:

Ambry Genetics
Classification: Uncertain significance. Last evaluated: 2022-12-23. Review status: criteria provided, single submitter. Criteria: Ambry Variant Classification Scheme 2023. Collection method: clinical testing. Allele origin: germline.
Comment: The p.E659D variant (also known as c.1977G>T), located in coding exon 13 of the POLQ gene, results from a G to T substitution at nucleotide position 1977. The glutamic acid at codon 659 is replaced by aspartic acid, an amino acid with highly similar properties. This amino acid position is conserved. In addition, this alteration is predicted to be tolerated by in silico analysis. Since supporting evidence is limited at this time, the clinical significance of this alteration remains unclear.

NM_199420.4(POLQ):c.1977G>T (p.Glu659Asp)

Gene: POLQ (DNA polymerase theta; minus strand). Cytogenetic location: 3q13.33.
Variant type: single nucleotide variant.
Coding change: c.1977G>T on transcript NM_199420.4 (MANE Select); coding-DNA position 1977, G replaced by T.
Protein change: p.Glu659Asp; replaces glutamic acid 659 with aspartic acid.
Molecular consequence: missense variant.
Genome position (GRCh38, 1-based): chr3:121,498,653, C>A on the plus strand (G>T on the coding strand, the complement: POLQ is on the minus strand). VCF-style: chr3-121498653-C-A. GRCh37 (hg19) VCF-style: chr3-121217500-C-A.
Other names: short protein forms E659D.
Identifiers: ClinVar variation 2448953 (VCV002448953.2), dbSNP rs2546794865, ClinGen allele CA354111048.
Genomic context (GRCh38, chr3:121,498,653, plus strand): 5'-TGAAGTTGGCAACTTCTCCCATAAACAGAAAAATCGATACCAATCAATAGTAGTCCAATC[C>A]TCAAACATAGGTGTAACCTAAAAGGAAGAAGTATTATTCATTAACTAAAACTATTATATT-3'
Protein context (NP_955452.3, residues 649-669): HILYLVTPMF[Glu659Asp]DWTTIDWYRF